The following is an entry in ClinVar:

ClinVar aggregate classification (germline): Likely benign. Review status: criteria provided, multiple submitters, no conflicts (2 of 4 stars). 2 submissions from 2 submitters: Likely benign (2). Last evaluated 2024-04-01.

Conditions:
Charcot-Marie-Tooth disease X-linked dominant 6. Also called: CHARCOT-MARIE-TOOTH NEUROPATHY, X-LINKED DOMINANT, 6. Identifiers: Orphanet 352675, MedGen C3806702, MONDO:0010479, OMIM 300905.

Allele frequency attached by ClinVar (database versions not stated): ExAC 0.00001; gnomAD 0.00001; TOPMed 0.00002; gnomAD exomes 0.00005.
gnomAD v4.1: 43 of 932,613 alleles (0.0046%); highest among the groups gnomAD compares: Non-Finnish European, 0.0063%; no homozygotes.

Submissions (2):

Labcorp Genetics (formerly Invitae), Labcorp
Classification: Likely benign for Charcot-Marie-Tooth disease X-linked dominant 6. Last evaluated: 2024-04-01. Review status: criteria provided, single submitter. Criteria: Invitae Variant Classification Sherloc (09022015). Collection method: clinical testing. Allele origin: germline.

Women's Health and Genetics/Laboratory Corporation of America, LabCorp
Classification: Likely benign. Last evaluated: 2023-10-26. Review status: criteria provided, single submitter. Criteria: LabCorp Variant Classification Summary - May 2015. Collection method: clinical testing. Allele origin: germline.
Comment: Variant summary: PDK3 c.963+16T>C alters a non-conserved nucleotide located at a position not widely known to affect splicing. Consensus agreement among computation tools predict no significant impact on normal splicing. However, these predictions have yet to be confirmed by functional studies. The variant allele was found at a frequency of 1.2e-05 in 170777 control chromosomes. The available data on variant occurrences in the general population are insufficient to allow any conclusion about variant significance. To our knowledge, no occurrence of c.963+16T>C in individuals affected with Charcot-Marie Disease X-Linked Dominant 6 and no experimental evidence demonstrating its impact on protein function have been reported. No submitters have cited clinical-significance assessments for this variant to ClinVar after 2014. Based on the evidence outlined above, the variant was classified as likely benign.

NM_005391.5(PDK3):c.963+16T>C

Gene: PDK3 (pyruvate dehydrogenase kinase 3; plus strand). Cytogenetic location: Xp22.11.
Variant type: single nucleotide variant.
Coding change: c.963+16T>C on transcript NM_005391.5 (MANE Select); 16 bases into the intron after coding-DNA position 963, T replaced by C.
Molecular consequence: intron variant.
Genome position (GRCh38, 1-based): chrX:24,528,202, T>C. VCF-style: chrX-24528202-T-C. GRCh37 (hg19) VCF-style: chrX-24546319-T-C.
Other names: c.963+16T>C (NM_001142386.3).
Identifiers: ClinVar variation 2637499 (VCV002637499.3), dbSNP rs757133638, ClinGen allele CA10372368.
Genomic context (GRCh38, chrX:24,528,202, plus strand): 5'-ACTGCTCCTAGACCCAGCCTGGAGCCTACCAGAGCTGCCCCTTTGGTAAGCATCTGAAAG[T>C]GCTGCTGAAGGAAAGATCATAAACACAGGAAGGGGCTCAGAGGGAGCTGCCTCTCTCCCC-3'